The following is an entry in ClinVar:

ClinVar aggregate classification (germline): Uncertain significance (1 of 4 stars; one submission).

Conditions:
Kabuki syndrome. Also called: NIIKAWA-KUROKI SYNDROME; Kabuki make-up syndrome. Identifiers: Orphanet 2322, MedGen C0796004, MONDO:0016512.

Submission:

Labcorp Genetics (formerly Invitae), Labcorp
Classification: Uncertain significance for Kabuki syndrome. Last evaluated: 2024-04-16. Review status: criteria provided, single submitter. Criteria: Invitae Variant Classification Sherloc (09022015). Collection method: clinical testing. Allele origin: germline.
Comment: This sequence change replaces proline, which is neutral and non-polar, with serine, which is neutral and polar, at codon 4578 of the KMT2D protein (p.Pro4578Ser). This variant is not present in population databases (gnomAD no frequency). This variant has not been reported in the literature in individuals affected with KMT2D-related conditions. Advanced modeling of protein sequence and biophysical properties (such as structural, functional, and spatial information, amino acid conservation, physicochemical variation, residue mobility, and thermodynamic stability) has been performed at Invitae for this missense variant, however the output from this modeling did not meet the statistical confidence thresholds required to predict the impact of this variant on KMT2D protein function. In summary, the available evidence is currently insufficient to determine the role of this variant in disease. Therefore, it has been classified as a Variant of Uncertain Significance.

NM_003482.4(KMT2D):c.13732C>T (p.Pro4578Ser)

Gene: KMT2D (lysine methyltransferase 2D; minus strand). Cytogenetic location: 12q13.12.
Variant type: single nucleotide variant.
Coding change: c.13732C>T on transcript NM_003482.4 (MANE Select); coding-DNA position 13732, C replaced by T.
Protein change: p.Pro4578Ser; replaces proline 4578 with serine.
Molecular consequence: missense variant.
Genome position (GRCh38, 1-based): chr12:49,030,708, G>A on the plus strand (C>T on the coding strand, the complement: KMT2D is on the minus strand). VCF-style: chr12-49030708-G-A. GRCh37 (hg19) VCF-style: chr12-49424491-G-A.
Other names: short protein forms P4578S.
Identifiers: ClinVar variation 2747002 (VCV002747002.3), dbSNP rs2498345210, ClinGen allele CA384702453.